The following is an entry in ClinVar:

NM_006231.4(POLE):c.5794C>G (p.Arg1932Gly)

Gene: POLE (DNA polymerase epsilon, catalytic subunit; minus strand). Cytogenetic location: 12q24.33.
Variant type: single nucleotide variant.
Coding change: c.5794C>G on transcript NM_006231.4 (MANE Select); coding-DNA position 5794, C replaced by G.
Protein change: p.Arg1932Gly; replaces arginine 1932 with glycine.
Molecular consequence: missense variant.
Genome position (GRCh38, 1-based): chr12:132,635,909, G>C on the plus strand (C>G on the coding strand, the complement: POLE is on the minus strand). VCF-style: chr12-132635909-G-C. GRCh37 (hg19) VCF-style: chr12-133212495-G-C.
Other names: short protein forms R1932G.
Identifiers: ClinVar variation 2064400 (VCV002064400.4), dbSNP rs879254168, ClinGen allele CA387372751.
Genomic context (GRCh38, chr12:132,635,909, plus strand): 5'-GACCCCCAAAGCTGGCTCGGGTGCCACACTGCAGCTCGCTTACCAGTCCACAGTGAATAC[G>C]AGATGAAACTTTTCCTTTGATTCCGCCATAGTTAGATGGATCCATCCAGAGAAGAAATTC-3'
Protein context (NP_006222.2, residues 1922-1942): YGGIKGKVSS[Arg1932Gly]IHCGLQDSQK

ClinVar aggregate classification (germline): Uncertain significance (1 of 4 stars; one submission).

Submission:

Labcorp Genetics (formerly Invitae), Labcorp
Classification: Uncertain significance. Last evaluated: 2021-12-29. Review status: criteria provided, single submitter. Criteria: Invitae Variant Classification Sherloc (09022015). Collection method: clinical testing. Allele origin: germline.
Comment: This variant is not present in population databases (gnomAD no frequency). This sequence change replaces arginine, which is basic and polar, with glycine, which is neutral and non-polar, at codon 1932 of the POLE protein (p.Arg1932Gly). This variant has not been reported in the literature in individuals affected with POLE-related conditions. Algorithms developed to predict the effect of missense changes on protein structure and function output the following: SIFT: "Tolerated"; PolyPhen-2: "Benign"; Align-GVGD: "Class C0". The glycine amino acid residue is found in multiple mammalian species, which suggests that this missense change does not adversely affect protein function. In summary, the available evidence is currently insufficient to determine the role of this variant in disease. Therefore, it has been classified as a Variant of Uncertain Significance.